The following is an entry in ClinVar:

NM_144639.3(UROC1):c.343G>A (p.Val115Met)

Gene: UROC1 (urocanate hydratase 1; minus strand). Cytogenetic location: 3q21.3.
Variant type: single nucleotide variant.
Coding change: c.343G>A on transcript NM_144639.3 (MANE Select); coding-DNA position 343, G replaced by A.
Protein change: p.Val115Met; replaces valine 115 with methionine.
Molecular consequence: missense variant.
Genome position (GRCh38, 1-based): chr3:126,509,593, C>T on the plus strand (G>A on the coding strand, the complement: UROC1 is on the minus strand). VCF-style: chr3-126509593-C-T. GRCh37 (hg19) VCF-style: chr3-126228436-C-T.
Other names: c.343G>A, p.Val115Met (NM_001165974.2); short protein forms V115M.
Identifiers: ClinVar variation 734119 (VCV000734119.7), dbSNP rs148075272, ClinGen allele CA2591611.
Genomic context (GRCh38, chr3:126,509,593, plus strand): 5'-CGTGTTCTGTTTCTGCTGGACAGTGCTGGGCCTCGGTTTCCCTGGCTATTACCTGGGCCA[C>T]GGCAGGATCCAGGTTGTTCATAATCATGTGCATGATGGCGGCAGCCACTTTCGTCTGGCA-3'
Protein context (NP_653240.1, residues 105-125): HMIMNNLDPA[Val115Met]AQFPQELVTY

ClinVar aggregate classification (germline): Likely benign. Review status: criteria provided, multiple submitters, no conflicts (2 of 4 stars). 3 submissions from 3 submitters: Likely benign (2). 1 of the submissions does not count toward it. Last evaluated 2019-12-31.

Conditions:
UROC1-related disorder. Also called: UROC1-related condition.

Allele frequency attached by ClinVar (database versions not stated): gnomAD exomes 0.00029 and 0.00054; ExAC 0.00120; gnomAD 0.00137 and 0.00146; ESP Exome Variant Server 0.00186; 1000 Genomes Project 30x 0.00187; TOPMed 0.00192; 1000 Genomes Project 0.00200.
gnomAD v4.1: 632 of 1,551,776 alleles (0.041%); highest among the groups gnomAD compares: African/African-American, 0.43%; 2 homozygotes.

Submissions (3):

Labcorp Genetics (formerly Invitae), Labcorp
Classification: Likely benign. Last evaluated: 2019-12-31. Review status: criteria provided, single submitter. Criteria: Invitae Variant Classification Sherloc (09022015). Collection method: clinical testing. Allele origin: germline.

Breakthrough Genomics
Classification: Likely benign. Review status: criteria provided, single submitter. Criteria: ACMG Guidelines, 2015. Collection method: not provided. Allele origin: germline. Inheritance: Autosomal recessive inheritance. Affected: yes.

PreventionGenetics, part of Exact Sciences
Classification: Likely benign for UROC1-related condition. Last evaluated: 2023-07-30. Review status: no assertion criteria provided. Collection method: clinical testing. Allele origin: germline. Not counted in ClinVar's aggregate classification.
Comment: This variant is classified as likely benign based on ACMG/AMP sequence variant interpretation guidelines (Richards et al. 2015 PMID: 25741868, with internal and published modifications).